The following is an entry in ClinVar:

ClinVar aggregate classification (germline): Uncertain significance. Review status: criteria provided, multiple submitters, no conflicts (2 of 4 stars). 2 submissions from 2 submitters: Uncertain significance (2). Last evaluated 2024-11-03.

Allele frequency attached by ClinVar (database versions not stated): gnomAD exomes below 0.00001; TOPMed below 0.00001; gnomAD 0.00001.
gnomAD v4.1: 2 of 1,612,768 alleles (0.00012%); highest among the groups gnomAD compares: Non-Finnish European, 0.00017%; no homozygotes.

Submissions (2):

GeneDx
Classification: Uncertain significance. Last evaluated: 2024-11-03. Review status: criteria provided, single submitter. Criteria: GeneDx Variant Classification Process June 2021. Collection method: clinical testing. Allele origin: germline. Affected: yes.
Comment: Not observed at significant frequency in large population cohorts (gnomAD); In silico analysis indicates that this missense variant does not alter protein structure/function; Has not been previously published as pathogenic or benign to our knowledge

Labcorp Genetics (formerly Invitae), Labcorp
Classification: Uncertain significance. Last evaluated: 2022-03-14. Review status: criteria provided, single submitter. Criteria: Invitae Variant Classification Sherloc (09022015). Collection method: clinical testing. Allele origin: germline.
Comment: In summary, the available evidence is currently insufficient to determine the role of this variant in disease. Therefore, it has been classified as a Variant of Uncertain Significance. Algorithms developed to predict the effect of missense changes on protein structure and function are either unavailable or do not agree on the potential impact of this missense change (SIFT: "Deleterious"; PolyPhen-2: "Possibly Damaging"; Align-GVGD: "Class C0"). This variant has not been reported in the literature in individuals affected with CUL3-related conditions. This variant is not present in population databases (gnomAD no frequency). This sequence change replaces valine, which is neutral and non-polar, with isoleucine, which is neutral and non-polar, at codon 139 of the CUL3 protein (p.Val139Ile).

NM_003590.5(CUL3):c.415G>A (p.Val139Ile)

Gene: CUL3 (cullin 3; minus strand). Cytogenetic location: 2q36.2.
Variant type: single nucleotide variant.
Coding change: c.415G>A on transcript NM_003590.5 (MANE Select); coding-DNA position 415, G replaced by A.
Protein change: p.Val139Ile; replaces valine 139 with isoleucine.
Molecular consequence: missense variant.
Genome position (GRCh38, 1-based): chr2:224,514,736, C>T on the plus strand (G>A on the coding strand, the complement: CUL3 is on the minus strand). VCF-style: chr2-224514736-C-T. GRCh37 (hg19) VCF-style: chr2-225379453-C-T.
Other names: c.217G>A, p.Val73Ile (NM_001257197.2); c.433G>A, p.Val145Ile (NM_001257198.2); c.415G>A (NM_003590.4); short protein forms V73I, V139I, V145I.
Identifiers: ClinVar variation 2095327 (VCV002095327.5), dbSNP rs1692972942, ClinGen allele CA350832108.